The following is an entry in ClinVar:

NM_015450.3(POT1):c.1285C>A (p.Gln429Lys)

Gene: POT1 (protection of telomeres 1; minus strand). Cytogenetic location: 7q31.33.
Variant type: single nucleotide variant.
Coding change: c.1285C>A on transcript NM_015450.3 (MANE Select); coding-DNA position 1285, C replaced by A.
Protein change: p.Gln429Lys; replaces glutamine 429 with lysine.
Molecular consequence: missense variant. On other transcripts: non-coding transcript variant (3).
Genome position (GRCh38, 1-based): chr7:124,841,057, G>T on the plus strand (C>A on the coding strand, the complement: POT1 is on the minus strand). VCF-style: chr7-124841057-G-T. GRCh37 (hg19) VCF-style: chr7-124481111-G-T.
Other names: c.892C>A, p.Gln298Lys (NM_001042594.2); short protein forms Q298K, Q429K.
Identifiers: ClinVar variation 818799 (VCV000818799.12), dbSNP rs1584757207, ClinGen allele CA369067127.

ClinVar aggregate classification (germline): Uncertain significance. Review status: criteria provided, multiple submitters, no conflicts (2 of 4 stars). 2 submissions from 2 submitters: Uncertain significance (2). Last evaluated 2025-05-07.

Conditions:
Tumor predisposition syndrome 3 (TPDS3). Also called: Glioma susceptibility 9; LONG TELOMERE SYNDROME, POT1-RELATED; POT1 Tumor Predisposition; Melanoma, cutaneous malignant, susceptibility to, 10. Identifiers: Orphanet 618, MedGen C4014476, MONDO:0014368, OMIM 615848.
Hereditary cancer-predisposing syndrome. Also called: Tumor predisposition; Hereditary Cancer Syndrome; Hereditary neoplastic syndrome; Neoplastic Syndromes, Hereditary. Identifiers: Orphanet 140162, MedGen C0027672, MeSH D009386, MONDO:0015356.

Allele frequency attached by ClinVar (database versions not stated): gnomAD exomes below 0.00001.
gnomAD v4.1: 1 of 1,612,420 alleles (0.000062%); highest among the groups gnomAD compares: Non-Finnish European, 0.000085%; no homozygotes.

Submissions (2):

Labcorp Genetics (formerly Invitae), Labcorp
Classification: Uncertain significance for Tumor predisposition syndrome 3. Last evaluated: 2025-05-07. Review status: criteria provided, single submitter. Criteria: Invitae Variant Classification Sherloc (09022015). Collection method: clinical testing. Allele origin: germline.
Comment: This sequence change replaces glutamine, which is neutral and polar, with lysine, which is basic and polar, at codon 429 of the POT1 protein (p.Gln429Lys). This variant is not present in population databases (gnomAD no frequency). This variant has not been reported in the literature in individuals affected with POT1-related conditions. ClinVar contains an entry for this variant (Variation ID: 818799). Invitae Evidence Modeling of protein sequence and biophysical properties (such as structural, functional, and spatial information, amino acid conservation, physicochemical variation, residue mobility, and thermodynamic stability) indicates that this missense variant is not expected to disrupt POT1 protein function with a negative predictive value of 80%. In summary, the available evidence is currently insufficient to determine the role of this variant in disease. Therefore, it has been classified as a Variant of Uncertain Significance.

Ambry Genetics
Classification: Uncertain significance for Hereditary cancer-predisposing syndrome. Last evaluated: 2024-04-29. Review status: criteria provided, single submitter. Criteria: Ambry Variant Classification Scheme 2023. Collection method: clinical testing. Allele origin: germline.
Comment: The p.Q429K variant (also known as c.1285C>A), located in coding exon 10 of the POT1 gene, results from a C to A substitution at nucleotide position 1285. The glutamine at codon 429 is replaced by lysine, an amino acid with similar properties. This amino acid position is highly conserved in available vertebrate species. In addition, this alteration is predicted to be tolerated by in silico analysis. Since supporting evidence is limited at this time, the clinical significance of this alteration remains unclear.